The following is an entry in ClinVar:

NM_000238.4(KCNH2):c.-12C>T

Gene: KCNH2 (potassium voltage-gated channel subfamily H member 2; minus strand). Cytogenetic location: 7q36.1.
Variant type: single nucleotide variant.
Coding change: c.-12C>T on transcript NM_000238.4 (MANE Select); 12 bases upstream of the start codon, C replaced by T.
Molecular consequence: 5 prime UTR variant.
Genome position (GRCh38, 1-based): chr7:150,977,925, G>A on the plus strand (C>T on the coding strand, the complement: KCNH2 is on the minus strand). VCF-style: chr7-150977925-G-A. GRCh37 (hg19) VCF-style: chr7-150675013-G-A.
Other names: c.-12C>T (NM_172056.3).
Identifiers: ClinVar variation 926300 (VCV000926300.9), dbSNP rs1451057996, ClinGen allele CA578707986.
Genomic context (GRCh38, chr7:150,977,925, plus strand): 5'-TGTCCAGGAAGGTGTTCTGCGGCGCGACGTGGCCCCTCCGCACCGGCATCCTGAGCCCAT[G>A]GGCGGGCCGGGCGGGCCCCCACCCACCCCGGCCCGGCCCGGCCCAGCACTAGGCTTCGGG-3'

ClinVar aggregate classification (germline): Uncertain significance. Review status: criteria provided, multiple submitters, no conflicts (2 of 4 stars). 2 submissions from 2 submitters: Uncertain significance (2). Last evaluated 2023-12-01.

Conditions:
Cardiac arrhythmia. Also called: Cardiac rhythm disease; Arrhythmia. Identifiers: MedGen C0003811, MONDO:0007263, HP:0011675.
Long QT syndrome (LQTS). Identifiers: MedGen C0023976, MeSH D008133, MONDO:0002442. Disease mechanism: loss of function. Inheritance: Various modes of inheritance.

Allele frequency attached by ClinVar (database versions not stated): gnomAD exomes 0.00002 and 0.00001; TOPMed 0.00002; gnomAD 0.00002.
gnomAD v4.1: 32 of 1,577,912 alleles (0.002%); highest among the groups gnomAD compares: African/African-American, 0.0028%; no homozygotes.

Submissions (2):

All of Us Research Program, National Institutes of Health
Classification: Uncertain significance for Long QT syndrome. Last evaluated: 2023-12-01. Review status: criteria provided, single submitter. Criteria: ACMG Guidelines, 2015. Collection method: clinical testing. Allele origin: germline. Inheritance: Autosomal dominant inheritance. Observed: 3 variant alleles, 3 heterozygotes.
Comment: This variant is located in the 5' untranslated region of the KCNH2 gene. To our knowledge, functional studies have not been reported for this variant. This variant has not been reported in individuals affected with cardiovascular disorders in the literature. This variant has been identified in 4/232768 chromosomes in the general population by the Genome Aggregation Database (gnomAD). The available evidence is insufficient to determine the role of this variant in disease conclusively. Therefore, this variant is classified as a Variant of Uncertain Significance.

This study involves interpretation of variants in research participants for the purpose of population health screening. Participant phenotype was not available at the time of variant classification. Additional details can be found in publication PMID: 35346344, PMCID: PMC8962531

Color Diagnostics, LLC DBA Color Health
Classification: Uncertain significance for Cardiac arrhythmia. Last evaluated: 2023-04-25. Review status: criteria provided, single submitter. Criteria: ACMG Guidelines, 2015. Collection method: clinical testing. Allele origin: germline.
Comment: This variant is located in the 5' untranslated region of the KCNH2 gene. To our knowledge, functional studies have not been reported for this variant. This variant has not been reported in individuals affected with cardiovascular disorders in the literature. This variant has been identified in 4/232768 chromosomes in the general population by the Genome Aggregation Database (gnomAD). The available evidence is insufficient to determine the role of this variant in disease conclusively. Therefore, this variant is classified as a Variant of Uncertain Significance.